The following is an entry in ClinVar:

NM_003742.4(ABCB11):c.*6T>A

Gene: ABCB11 (ATP binding cassette subfamily B member 11; minus strand). Cytogenetic location: 2q31.1.
Variant type: single nucleotide variant.
Coding change: c.*6T>A on transcript NM_003742.4 (MANE Select); 6 bases downstream of the stop codon, T replaced by A.
Molecular consequence: 3 prime UTR variant.
Genome position (GRCh38, 1-based): chr2:168,923,616, A>T on the plus strand (T>A on the coding strand, the complement: ABCB11 is on the minus strand). VCF-style: chr2-168923616-A-T. GRCh37 (hg19) VCF-style: chr2-169780126-A-T.
Other names: c.*6T>A (LRG_1199t1).
Identifiers: ClinVar variation 382797 (VCV000382797.1), dbSNP rs1057521457, ClinGen allele CA16603957.

ClinVar aggregate classification (germline): Likely benign (1 of 4 stars; one submission).

Submission:

GeneDx
Classification: Likely benign. Last evaluated: 2016-02-10. Review status: criteria provided, single submitter. Criteria: GeneDx Variant Classification (06012015). Collection method: clinical testing. Allele origin: germline. Affected: yes.
Comment: This variant is considered likely benign or benign based on one or more of the following criteria: it is a conservative change, it occurs at a poorly conserved position in the protein, it is predicted to be benign by multiple in silico algorithms, and/or has population frequency not consistent with disease.